The following is an entry in ClinVar:

NM_000138.5(FBN1):c.4271dup (p.Gly1425fs)

Genes: FBN1 (fibrillin 1; minus strand), LOC126862124 (CDK7 strongly-dependent group 2 enhancer GRCh37_chr15:48764566-48765765; plus strand). Cytogenetic location: 15q21.1.
Variant type: Duplication.
Coding change: c.4271dup on transcript NM_000138.5 (MANE Select); coding-DNA position 4271, one base duplicated (C; older notation c.4271dupC).
Protein change: p.Gly1425fs; shifts the reading frame from glycine 1425.
Molecular consequence: frameshift variant.
Genome position (GRCh38, 1-based): chr15:48,472,616, G duplicated on the plus strand (C on the coding strand, the reverse complement: FBN1 is on the minus strand); the first of 2 consecutive G bases (chr15:48,472,616-48,472,617); duplicating either gives the same sequence. VCF-style (leftmost placement, unchanged base first): chr15-48472615-T-TG. GRCh37 (hg19) VCF-style: chr15-48764812-T-TG.
Other names: c.4271dup, p.Gly1425fs (NM_001406716.1); short protein forms G1425fs.
Identifiers: ClinVar variation 3755282 (VCV003755282.2).
Genomic context (GRCh38, chr15:48,472,615, plus strand): 5'-ACAGGCTTTCCCGTCAGCACTGGGCACGAAGCCCATGTCGCATTCACAGCGGTATCCTCC[T>TG]GGTGCATTGAGGCACTGGCCATTGCCACAGAGATTCAGGTTCTCAGAGCACTCATCAAGG-3'

ClinVar aggregate classification (germline): Pathogenic (1 of 4 stars; one submission).

Conditions:
Marfan syndrome (MFS). Also called: MARFAN SYNDROME, TYPE I; Marfan syndrome type 1; Marfan's syndrome; Marfan syndrome, classic; FBN1-Related Marfan Syndrome. Identifiers: Orphanet 284963, Orphanet 558, MedGen C0024796, MONDO:0007947, OMIM 154700.
Familial thoracic aortic aneurysm and aortic dissection (TAAD). Also called: Thoracic aortic aneurysms and dissections. Identifiers: Orphanet 91387, MedGen C4707243, MONDO:0019625.

Submission:

Labcorp Genetics (formerly Invitae), Labcorp
Classification: Pathogenic for Marfan syndrome; Familial thoracic aortic aneurysm and aortic dissection. Last evaluated: 2024-04-08. Review status: criteria provided, single submitter. Criteria: Invitae Variant Classification Sherloc (09022015). Collection method: clinical testing. Allele origin: germline.
Comment: This sequence change creates a premature translational stop signal (p.Gly1425Argfs*6) in the FBN1 gene. It is expected to result in an absent or disrupted protein product. Loss-of-function variants in FBN1 are known to be pathogenic (PMID: 17657824, 19293843). This variant is not present in population databases (gnomAD no frequency). This variant has not been reported in the literature in individuals affected with FBN1-related conditions. For these reasons, this variant has been classified as Pathogenic.

Literature cited by the submitters: PubMed 17657824; PubMed 19293843.